The following is an entry in ClinVar:

ClinVar aggregate classification (germline): Likely pathogenic (1 of 4 stars; one submission).

Submission:

ARUP Laboratories, Molecular Genetics and Genomics, ARUP Laboratories
Classification: Likely pathogenic. Review status: criteria provided, single submitter. Criteria: ARUP Molecular Germline Variant Investigation Process 2024. Collection method: clinical testing. Allele origin: germline.
Comment: The SLC12A6 c.106_124dup; p.Arg42GlnfsTer5 variant, to our knowledge, is not reported in the medical literature or gene specific databases. This variant is absent from the Genome Aggregation Database (v2.1.1), indicating it is not a common polymorphism. This variant causes a frameshift by inserting 19 nucleotides, so it is predicted to result in a truncated protein or mRNA subject to nonsense-mediated decay. Based on available information, this variant is considered to be likely pathogenic.

NM_001365088.1(SLC12A6):c.106_124dup (p.Arg42delinsGlnLeuSerIleTer)

Gene: SLC12A6 (solute carrier family 12 member 6; minus strand). Cytogenetic location: 15q14.
Variant type: Duplication.
Coding change: c.106_124dup on transcript NM_001365088.1 (MANE Select); coding-DNA positions 106 to 124, 19 bases duplicated (AGCTCTCGATCTAGTTCCC).
Protein change: p.Arg42delinsGlnLeuSerIleTer.
Molecular consequence: nonsense. On other transcripts: 5 prime UTR variant (2).
Genome position (GRCh38, 1-based): chr15:34,336,557-34,336,575, GGGAACTAGATCGAGAGCT duplicated on the plus strand (AGCTCTCGATCTAGTTCCC on the coding strand, the reverse complement: SLC12A6 is on the minus strand); duplicating any 19 consecutive bases within chr15:34,336,557-34,336,576 gives the same sequence; the c. name uses the placement nearest the transcript's 3' end. VCF-style (leftmost placement, unchanged base first): chr15-34336556-C-CGGGAACTAGATCGAGAGCT. GRCh37 (hg19) VCF-style: chr15-34628757-C-CGGGAACTAGATCGAGAGCT.
Other names: c.-72_-54dup (NM_001042494.2, NM_001042495.2); c.79_97dup, p.Arg33delinsGlnLeuSerIleTer (NM_001042496.2); c.106_124dup, p.Arg42delinsGlnLeuSerIleTer (NM_001042497.2, NM_133647.2).
Identifiers: ClinVar variation 4686037 (VCV004686037.1).